The following is an entry in ClinVar:

NM_002968.3(SALL1):c.750dup (p.Arg251fs)

Gene: SALL1 (spalt like transcription factor 1; minus strand). Cytogenetic location: 16q12.1.
Variant type: Duplication.
Coding change: c.750dup on transcript NM_002968.3 (MANE Select); coding-DNA position 750, one base duplicated (T; older notation c.750dupT).
Protein change: p.Arg251fs; shifts the reading frame from arginine 251.
Molecular consequence: frameshift variant.
Genome position (GRCh38, 1-based): chr16:51,141,472, A duplicated on the plus strand (T on the coding strand, the reverse complement: SALL1 is on the minus strand); the first of 2 consecutive A bases (chr16:51,141,472-51,141,473); duplicating either gives the same sequence. VCF-style (leftmost placement, unchanged base first): chr16-51141471-G-GA. GRCh37 (hg19) VCF-style: chr16-51175382-G-GA.
Other names: c.459dup, p.Arg154fs (NM_001127892.2); short protein forms R251fs, R154fs.
Identifiers: ClinVar variation 947631 (VCV000947631.10), dbSNP rs1962428520, ClinGen allele CA1139664676.

ClinVar aggregate classification (germline): Pathogenic (1 of 4 stars; one submission).

Conditions:
Townes syndrome (TBS). Also called: Townes-Brocks syndrome. Identifiers: Orphanet 857, MedGen C0265246, MeSH C536974, MONDO:0007142.

Submission:

Labcorp Genetics (formerly Invitae), Labcorp
Classification: Pathogenic for Townes syndrome. Last evaluated: 2019-06-19. Review status: criteria provided, single submitter. Criteria: Invitae Variant Classification Sherloc (09022015). Collection method: clinical testing. Allele origin: germline.
Comment: Truncating variants in the SALL1 gene are known to cause Townes-Brocks syndrome by haploinsufficiency (PMID: 16429401, 22308078) or by a dominant negative mechanism (PMID: 29395072). Truncations both upstream (p.Thr105Glnfs*78) and downstream (p.Arg260*) of this variant have been shown to be clinically significant and are consistent with a dominant negative mechanism (PMID: 17221874, 16088922, Invitae). This suggests that deletion of this region of the SALL1 protein is causative of disease. This sequence change results in a premature translational stop signal in the SALL1 gene (p.Arg251Serfs*19). This variant is not present in population databases (ExAC no frequency). This variant has not been reported in the literature in individuals with SALL1-related conditions. For these reasons, this variant has been classified as Pathogenic.

Literature cited by the submitters: PubMed 16429401; PubMed 22308078; PubMed 29395072; PubMed 17221874; PubMed 16088922.